The following is an entry in ClinVar:

ClinVar aggregate classification (germline): Uncertain significance. Review status: criteria provided, multiple submitters, no conflicts (2 of 4 stars). 2 submissions from 2 submitters: Uncertain significance (2). Last evaluated 2024-12-26.

Conditions:
Inborn genetic diseases. Identifiers: MedGen C0950123, MeSH D030342.
3-methylglutaconic aciduria, type VIIB (MGCA7B). Also called: 3-methylglutaconic aciduria, type VII, with cataracts, neurologic involvement and neutropenia; 3-methylglutaconic aciduria with cataracts, neurologic involvement and neutropenia; CLPB Deficiency. Identifiers: Orphanet 445038, MedGen C5676893, MONDO:0014561, OMIM 616271.

Allele frequency attached by ClinVar (database versions not stated): gnomAD exomes below 0.00001; TOPMed 0.00002.
gnomAD v4.1: 2 of 1,612,798 alleles (0.00012%); highest among the groups gnomAD compares: Admixed American, 0.0017%; no homozygotes.

Submissions (2):

Labcorp Genetics (formerly Invitae), Labcorp
Classification: Uncertain significance for 3-methylglutaconic aciduria, type VIIB. Last evaluated: 2024-12-26. Review status: criteria provided, single submitter. Criteria: Invitae Variant Classification Sherloc (09022015). Collection method: clinical testing. Allele origin: germline.
Comment: This sequence change replaces serine, which is neutral and polar, with glycine, which is neutral and non-polar, at codon 109 of the CLPB protein (p.Ser109Gly). This variant is not present in population databases (gnomAD no frequency). This variant has not been reported in the literature in individuals affected with CLPB-related conditions. ClinVar contains an entry for this variant (Variation ID: 1059675). An algorithm developed to predict the effect of missense changes on protein structure and function (PolyPhen-2) suggests that this variant is likely to be tolerated. In summary, the available evidence is currently insufficient to determine the role of this variant in disease. Therefore, it has been classified as a Variant of Uncertain Significance.

Ambry Genetics
Classification: Uncertain significance for Inborn genetic diseases. Last evaluated: 2023-11-22. Review status: criteria provided, single submitter. Criteria: Ambry Variant Classification Scheme 2023. Collection method: clinical testing. Allele origin: germline.

NM_001258392.3(CLPB):c.325A>G (p.Ser109Gly)

Gene: CLPB (ClpB family mitochondrial disaggregase; minus strand). Cytogenetic location: 11q13.4.
Variant type: single nucleotide variant.
Coding change: c.325A>G on transcript NM_001258392.3 (MANE Select); coding-DNA position 325, A replaced by G.
Protein change: p.Ser109Gly; replaces serine 109 with glycine.
Molecular consequence: missense variant.
Genome position (GRCh38, 1-based): chr11:72,434,150, T>C on the plus strand (A>G on the coding strand, the complement: CLPB is on the minus strand). VCF-style: chr11-72434150-T-C. GRCh37 (hg19) VCF-style: chr11-72145194-T-C.
Other names: c.325A>G, p.Ser109Gly (NM_001258393.3, NM_030813.6); c.83A>G, p.Gln28Arg (NM_001258394.3); c.325A>G (NM_030813.3); short protein forms Q28R, S109G.
Identifiers: ClinVar variation 1059675 (VCV001059675.8), dbSNP rs1856636073, ClinGen allele CA381962951.
Genomic context (GRCh38, chr11:72,434,150, plus strand): 5'-TGCTGTAGCAATGAACCACCAGCGCTGCGGCCAGGGCGCACATGCCCAGTCCGGCCCTGC[T>C]GGGGACCCCGTTCCAGCTGTCCTGTCCTGGGAGTGTTTCTTCGGGACCAGGAAGGCGTCC-3'
Protein context (NP_001245321.1, residues 99-119): PGQDSWNGVP[Ser109Gly]RAGLGMCALA